The following is an entry in ClinVar:

NM_001199107.2(TBC1D24):c.470G>A (p.Arg157His)

Gene: TBC1D24 (TBC1 domain family member 24; plus strand). Cytogenetic location: 16p13.3.
Variant type: single nucleotide variant.
Coding change: c.470G>A on transcript NM_001199107.2 (MANE Select); coding-DNA position 470, G replaced by A.
Protein change: p.Arg157His; replaces arginine 157 with histidine.
Molecular consequence: missense variant.
Genome position (GRCh38, 1-based): chr16:2,496,618, G>A. VCF-style: chr16-2496618-G-A. GRCh37 (hg19) VCF-style: chr16-2546619-G-A.
Other names: c.470G>A, p.Arg157His (NM_020705.3); short protein forms R157H.
Identifiers: ClinVar variation 590116 (VCV000590116.11), dbSNP rs1301489148, ClinGen allele CA394376144.

ClinVar aggregate classification (germline): Uncertain significance. Review status: criteria provided, multiple submitters, no conflicts (2 of 4 stars). 3 submissions from 3 submitters: Uncertain significance (3). Last evaluated 2025-12-27.

Conditions:
Autosomal dominant nonsyndromic hearing loss 65. Also called: Deafness, autosomal dominant 65; TBC1D24-Related Autosomal Dominant Nonsyndromic Hearing Loss (DFNA). Identifiers: Orphanet 90635, MedGen C3892048, MONDO:0014470, OMIM 616044.
Developmental and epileptic encephalopathy, 1 (DEE1). Also called: Epileptic encephalopathy, early infantile, 1; X-linked infantile spasms; West's syndrome; Tonic spasms with clustering, arrest of psychomotor development and hypsarrhythmia on EEG; X-Linked Infantile Spasm Syndrome; OHTAHARA SYNDROME, X-LINKED. Identifiers: MedGen C3463992, MONDO:0010632, OMIM 308350. Disease mechanism: loss of function.
Inborn genetic diseases. Identifiers: MedGen C0950123, MeSH D030342.

Allele frequency attached by ClinVar (database versions not stated): gnomAD exomes below 0.00001; gnomAD 0.00001.

Submissions (3):

Labcorp Genetics (formerly Invitae), Labcorp
Classification: Uncertain significance for Developmental and epileptic encephalopathy, 1; Autosomal dominant nonsyndromic hearing loss 65. Last evaluated: 2025-12-27. Review status: criteria provided, single submitter. Criteria: Invitae Variant Classification Sherloc (09022015). Collection method: clinical testing. Allele origin: germline.
Comment: This sequence change replaces arginine, which is basic and polar, with histidine, which is basic and polar, at codon 157 of the TBC1D24 protein (p.Arg157His). The frequency data for this variant in the population databases is considered unreliable, as metrics indicate poor data quality at this position in the gnomAD database. This variant has not been reported in the literature in individuals affected with TBC1D24-related conditions. ClinVar contains an entry for this variant (Variation ID: 590116). Invitae Evidence Modeling of protein sequence and biophysical properties (such as structural, functional, and spatial information, amino acid conservation, physicochemical variation, residue mobility, and thermodynamic stability) indicates that this missense variant is not expected to disrupt TBC1D24 protein function with a negative predictive value of 80%. In summary, the available evidence is currently insufficient to determine the role of this variant in disease. Therefore, it has been classified as a Variant of Uncertain Significance.

GeneDx
Classification: Uncertain significance. Last evaluated: 2024-06-24. Review status: criteria provided, single submitter. Criteria: GeneDx Variant Classification Process June 2021. Collection method: clinical testing. Allele origin: germline. Affected: yes.
Comment: Not observed at significant frequency in large population cohorts (gnomAD); In silico analysis indicates that this missense variant does not alter protein structure/function; Has not been previously published as pathogenic or benign to our knowledge

Ambry Genetics
Classification: Uncertain significance for Inborn genetic diseases. Last evaluated: 2017-04-25. Review status: criteria provided, single submitter. Criteria: Ambry Variant Classification Scheme 2023. Collection method: clinical testing. Allele origin: germline.
Comment: The p.R157H variant (also known as c.470G>A), located in coding exon 1 of the TBC1D24 gene, results from a G to A substitution at nucleotide position 470. The arginine at codon 157 is replaced by histidine, an amino acid with highly similar properties. This amino acid position is well conserved in available vertebrate species. In addition, this alteration is predicted to be tolerated by in silico analysis. Since supporting evidence is limited at this time, the clinical significance of this alteration remains unclear.